The following is an entry in ClinVar:

NM_000289.6(PFKM):c.1909dup (p.Thr637fs)

Gene: PFKM (phosphofructokinase, muscle; plus strand). Cytogenetic location: 12q13.11.
Variant type: Duplication.
Coding change: c.1909dup on transcript NM_000289.6 (MANE Select); coding-DNA position 1909, one base duplicated (A; older notation c.1909dupA).
Protein change: p.Thr637fs; shifts the reading frame from threonine 637.
Molecular consequence: frameshift variant. On other transcripts: non-coding transcript variant (6).
Genome position (GRCh38, 1-based): chr12:48,144,074, A duplicated. VCF-style (leftmost placement, unchanged base first): chr12-48144073-C-CA. GRCh37 (hg19) VCF-style: chr12-48537856-C-CA.
Other names: c.2122dup, p.Thr708fs (NM_001166686.2, NM_001354737.1, NM_001354738.1 and 1 more transcripts); c.1909dup, p.Thr637fs (NM_001166687.2, NM_001166688.2, NM_001354742.2 and 2 more transcripts); c.2218dup, p.Thr740fs (NM_001354735.1, NM_001354736.1); c.2053dup, p.Thr685fs (NM_001354740.1); c.1933dup, p.Thr645fs (NM_001354741.2); c.1822dup, p.Thr608fs (NM_001354745.2); c.1783dup, p.Thr595fs (NM_001354746.2); c.1759dup, p.Thr587fs (NM_001354747.2, NM_001354748.2); and 2 more; short protein forms T587fs, T595fs, T606fs, T608fs, T637fs, T645fs, T677fs, T685fs.
Identifiers: ClinVar variation 5013664 (VCV005013664.1).

ClinVar aggregate classification (germline): Pathogenic (1 of 4 stars; one submission).

Conditions:
Glycogen storage disease, type VII (GSD7). Also called: GSD VII; MUSCLE PHOSPHOFRUCTOKINASE DEFICIENCY; PFKM DEFICIENCY; TARUI DISEASE. Identifiers: Orphanet 371, MedGen C0017926, MONDO:0009295, OMIM 232800.

Submission:

Myriad Genetics, Inc.
Classification: Pathogenic for Glycogen storage disease, type VII. Last evaluated: 2024-10-22. Review status: criteria provided, single submitter. Criteria: Myriad Autosomal Dominant, Autosomal Recessive and X-Linked Classification Criteria (2023). Collection method: clinical testing. Allele origin: unknown.
Comment: NM_001166686.1(PFKM):c.2122dupA(T708Nfs*2) is expected to be pathogenic in the context of glycogen storage disease, PFKM-related. This variant is predicted to lead to an abnormal or absent protein product due to the creation of a premature termination codon in PFKM, a gene where loss-of-function variants are known to be pathogenic. Please note: this variant was assessed in the context of healthy population screening.